The following is an entry in ClinVar:

NM_018975.4(TERF2IP):c.487T>G (p.Leu163Val)

Gene: TERF2IP (TERF2 interacting protein; plus strand). Cytogenetic location: 16q23.1.
Variant type: single nucleotide variant.
Coding change: c.487T>G on transcript NM_018975.4 (MANE Select); coding-DNA position 487, T replaced by G.
Protein change: p.Leu163Val; replaces leucine 163 with valine.
Molecular consequence: missense variant. On other transcripts: non-coding transcript variant (1).
Genome position (GRCh38, 1-based): chr16:75,648,369, T>G. VCF-style: chr16-75648369-T-G. GRCh37 (hg19) VCF-style: chr16-75682267-T-G.
Other names: short protein forms L163V.
Identifiers: ClinVar variation 1743787 (VCV001743787.2), dbSNP rs1042868292, ClinGen allele CA284334525.

ClinVar aggregate classification (germline): Uncertain significance (1 of 4 stars; one submission).

Submission:

Ambry Genetics
Classification: Uncertain significance. Last evaluated: 2024-03-19. Review status: criteria provided, single submitter. Criteria: Ambry Variant Classification Scheme 2023. Collection method: clinical testing. Allele origin: germline.
Comment: The p.L163V variant (also known as c.487T>G), located in coding exon 1 of the TERF2IP gene, results from a T to G substitution at nucleotide position 487. The leucine at codon 163 is replaced by valine, an amino acid with highly similar properties. This amino acid position is conserved. In addition, this alteration is predicted to be tolerated by in silico analysis. Since supporting evidence is limited at this time, the clinical significance of this alteration remains unclear.